The following is an entry in ClinVar:

NC_000022.11:g.(?_29671816)_(29678333_?)del

Gene: NF2 (NF2, moesin-ezrin-radixin like (MERLIN) tumor suppressor; plus strand). Cytogenetic location: 22q12.2.
Variant type: Deletion.
Identifiers: ClinVar variation 831227 (VCV000831227.9).

ClinVar aggregate classification (germline): Pathogenic (1 of 4 stars; one submission).

Conditions:
Neurofibromatosis, type 2 (SWNV). Also called: BILATERAL ACOUSTIC NEUROFIBROMATOSIS; SCHWANNOMATOSIS, VESTIBULAR; NF2-Related Schwannomatosis. Identifiers: Orphanet 637, MedGen C0027832, MONDO:0007039, OMIM 101000. Disease mechanism: loss of function.

Submission:

Labcorp Genetics (formerly Invitae), Labcorp
Classification: Pathogenic for Neurofibromatosis, type 2. Last evaluated: 2019-04-16. Review status: criteria provided, single submitter. Criteria: Invitae Variant Classification Sherloc (09022015). Collection method: clinical testing. Allele origin: germline.
Comment: This variant is an out-of-frame deletion of the genomic region encompassing exons 11-14 of the NF2 gene. This is expected to create a premature translational stop signal and result in an absent or disrupted protein product. This variant has not been reported in the literature in individuals with NF2-related conditions. Loss-of-function variants in NF2 are known to be pathogenic (PMID: 9643284, 16983642). For these reasons, this variant has been classified as Pathogenic.

Literature cited by the submitters: PubMed 9643284; PubMed 16983642.